The following is an entry in ClinVar:

ClinVar aggregate classification (germline): Pathogenic. Review status: criteria provided, multiple submitters, no conflicts (2 of 4 stars). 4 submissions from 4 submitters: Pathogenic (4). Last evaluated 2023-09-09.

Conditions:
Deficiency of acetyl-CoA acetyltransferase. Also called: MITOCHONDRIAL ACETOACETYL-CoA THIOLASE DEFICIENCY; 3-KETOTHIOLASE DEFICIENCY; 3-OXOTHIOLASE DEFICIENCY; Beta-ketothiolase deficiency. Identifiers: Orphanet 134, MedGen C1536500, MONDO:0008760, OMIM 203750. Disease mechanism: loss of function.

Submissions (4):

Baylor Genetics
Classification: Pathogenic for Deficiency of acetyl-CoA acetyltransferase. Last evaluated: 2023-09-09. Review status: criteria provided, single submitter. Criteria: ACMG Guidelines, 2015. Collection method: clinical testing. Allele origin: unknown.

Labcorp Genetics (formerly Invitae), Labcorp
Classification: Pathogenic for Deficiency of acetyl-CoA acetyltransferase. Last evaluated: 2023-07-10. Review status: criteria provided, single submitter. Criteria: Invitae Variant Classification Sherloc (09022015). Collection method: clinical testing. Allele origin: germline.
Comment: This sequence change creates a premature translational stop signal (p.Glu345Argfs*9) in the ACAT1 gene. It is expected to result in an absent or disrupted protein product. Loss-of-function variants in ACAT1 are known to be pathogenic (PMID: 7749408). This variant is present in population databases (rs781496140, gnomAD 0.0009%). This premature translational stop signal has been observed in individual(s) with beta-ketothiolase deficiency (aka mitochondrial acetoacetyl-CoA thiolase deficiency) (PMID: 28255778). ClinVar contains an entry for this variant (Variation ID: 524080). For these reasons, this variant has been classified as Pathogenic.

Department of Pediatrics, Gifu University
Classification: Pathogenic for Deficiency of acetyl-CoA acetyltransferase. Last evaluated: 2019-05-05. Review status: criteria provided, single submitter. Criteria: ACMG Guidelines, 2015. Collection method: research. Allele origin: germline. Affected: yes. Observed: 2 variant alleles.

GeneDx
Classification: Pathogenic. Last evaluated: 2018-04-18. Review status: criteria provided, single submitter. Criteria: GeneDx Variant Classification (06012015). Collection method: clinical testing. Allele origin: germline. Affected: yes.
Comment: The c.1033_1034delGA variant in the ACAT1 gene has not been reported previously as a pathogenic variant nor as a benign variant, to our knowledge. The c.1033_1034delGA variant causes a frameshift starting with codon Glutamic acid 345, changes this amino acid to an Arginine residue, and creates a premature Stop codon at position 9 of the new reading frame, denoted p.Glu345ArgfsX9. This variant is predicted to cause loss of normal protein function either through protein truncation or nonsense-mediated mRNA decay. The c.1033_1034delGA variant is not observed at a significant frequency in large population cohorts (Lek et al., 2016). We interpret c.1033_1034delGA as a pathogenic variant.

Literature cited by the submitters: PubMed 7749408 (cited by Labcorp Genetics (formerly Invitae), Labcorp); PubMed 28255778 (cited by Labcorp Genetics (formerly Invitae), Labcorp); PubMed 31268215 (cited by Department of Pediatrics, Gifu University).

NM_000019.4(ACAT1):c.1033_1034del (p.Glu345fs)

Gene: ACAT1 (acetyl-CoA acetyltransferase 1; plus strand). Cytogenetic location: 11q22.3.
Variant type: Deletion.
Coding change: c.1033_1034del on transcript NM_000019.4 (MANE Select); coding-DNA positions 1033 to 1034, 2 bases deleted (GA; older notation c.1033_1034delGA).
Protein change: p.Glu345fs; shifts the reading frame from glutamic acid 345.
Molecular consequence: frameshift variant.
Genome position (GRCh38, 1-based): chr11:108,146,229-108,146,230, GA deleted; deleting any 2 consecutive bases within chr11:108,146,228-108,146,230 gives the same sequence; the c. name uses the placement nearest the transcript's 3' end. VCF-style (leftmost placement, unchanged base first): chr11-108146227-AAG-A. GRCh37 (hg19) VCF-style: chr11-108016954-AAG-A.
Other names: c.1033_1034delGA (NM_000019.3); c.1033_1034del, p.Glu345fs (LRG_1400t1); c.1033_1034del (NM_000019.3); short protein forms E345fs.
Identifiers: ClinVar variation 524080 (VCV000524080.10), dbSNP rs781496140, ClinGen allele CA6263357.